The following is an entry in ClinVar:

NM_005477.3(HCN4):c.454C>T (p.Pro152Ser)

Gene: HCN4 (hyperpolarization activated cyclic nucleotide gated potassium channel 4; minus strand). Cytogenetic location: 15q24.1.
Variant type: single nucleotide variant.
Coding change: c.454C>T on transcript NM_005477.3 (MANE Select); coding-DNA position 454, C replaced by T.
Protein change: p.Pro152Ser; replaces proline 152 with serine.
Molecular consequence: missense variant.
Genome position (GRCh38, 1-based): chr15:73,367,817, G>A on the plus strand (C>T on the coding strand, the complement: HCN4 is on the minus strand). VCF-style: chr15-73367817-G-A. GRCh37 (hg19) VCF-style: chr15-73660158-G-A.
Other names: short protein forms P152S.
Identifiers: ClinVar variation 1485623 (VCV001485623.6), dbSNP rs1392411769, ClinGen allele CA393097973.
Genomic context (GRCh38, chr15:73,367,817, plus strand): 5'-GTGGCTGCTGGGGCGGCGGCGGCGAGGCTGCGGGCTGCGCCGAGGCGCCGGGGCGCTCGG[G>A]CTCGGCCGCCAGGCCTGGGGGCGTCCTGTCCTCGCCGGGGGACGCGTCGCCCTCGGCGAT-3'
Protein context (NP_005468.1, residues 142-162): DRTPPGLAAE[Pro152Ser]ERPGASAQPA

ClinVar aggregate classification (germline): Uncertain significance (1 of 4 stars; one submission).

Conditions:
Brugada syndrome 8 (BRGDA8). Identifiers: Orphanet 130, MedGen C2751083, MONDO:0013148, OMIM 613123.

Allele frequency attached by ClinVar (database versions not stated): TOPMed below 0.00001.

Submission:

Labcorp Genetics (formerly Invitae), Labcorp
Classification: Uncertain significance for Brugada syndrome 8. Last evaluated: 2023-05-12. Review status: criteria provided, single submitter. Criteria: Invitae Variant Classification Sherloc (09022015). Collection method: clinical testing. Allele origin: germline.
Comment: In summary, the available evidence is currently insufficient to determine the role of this variant in disease. Therefore, it has been classified as a Variant of Uncertain Significance. Advanced modeling of protein sequence and biophysical properties (such as structural, functional, and spatial information, amino acid conservation, physicochemical variation, residue mobility, and thermodynamic stability) performed at Invitae indicates that this missense variant is not expected to disrupt HCN4 protein function. ClinVar contains an entry for this variant (Variation ID: 1485623). This missense change has been observed in individual(s) with thoracic aortic aneurysm and dissection (PMID: 28254188). This variant is not present in population databases (gnomAD no frequency). This sequence change replaces proline, which is neutral and non-polar, with serine, which is neutral and polar, at codon 152 of the HCN4 protein (p.Pro152Ser).

Literature cited by the submitters: PubMed 28254188.